The following is an entry in ClinVar:

NM_000548.5(TSC2):c.2653A>C (p.Ile885Leu)

Gene: TSC2 (TSC complex subunit 2; plus strand). Cytogenetic location: 16p13.3.
Variant type: single nucleotide variant.
Coding change: c.2653A>C on transcript NM_000548.5 (MANE Select); coding-DNA position 2653, A replaced by C.
Protein change: p.Ile885Leu; replaces isoleucine 885 with leucine.
Molecular consequence: missense variant. On other transcripts: non-coding transcript variant (5).
Genome position (GRCh38, 1-based): chr16:2,076,081, A>C. VCF-style: chr16-2076081-A-C. GRCh37 (hg19) VCF-style: chr16-2126082-A-C.
Other names: c.2653A>C, p.Ile885Leu (NM_001077183.3, NM_001114382.3, NM_001363528.2 and 6 more transcripts); c.2542A>C, p.Ile848Leu (NM_001318827.2, NM_001406670.1, NM_001406678.1); c.2506A>C, p.Ile836Leu (NM_001318829.2, NM_001406675.1, NM_001406676.1 and 1 more transcripts); c.2053A>C, p.Ile685Leu (NM_001318831.2, NM_001406685.1, NM_001406686.1 and 6 more transcripts); c.2686A>C, p.Ile896Leu (NM_001318832.2); c.2743A>C, p.Ile915Leu (NM_001406667.1, NM_001406668.1); c.2641A>C, p.Ile881Leu (NM_001406671.1, NM_001406673.1); c.1309A>C, p.Ile437Leu (NM_001406689.1, NM_001406690.1, NM_001406691.1 and 6 more transcripts); and 3 more; short protein forms I866L, I885L, I881L, I915L, I351L, I731L, I836L, I848L.
Identifiers: ClinVar variation 2626423 (VCV002626423.4), dbSNP rs1555508581, ClinGen allele CA394279206.
Genomic context (GRCh38, chr16:2,076,081, plus strand): 5'-TGTTTCCCTGCTGCCAGGATGGAGTGCCAGCCCCCTTCTCATCTCAGGTTTAATCAGTAC[A>C]TCGTGTGTCTGGCCCATCACGTCATAGCCATGTGGTTCATCAGGTGCCGCCTGCCCTTCC-3'
Protein context (NP_000539.2, residues 875-895): YTNPSKFNQY[Ile885Leu]VCLAHHVIAM

ClinVar aggregate classification (germline): Uncertain significance. Review status: criteria provided, multiple submitters, no conflicts (2 of 4 stars). 2 submissions from 2 submitters: Uncertain significance (2). Last evaluated 2024-05-29.

Conditions:
Tuberous sclerosis 2 (TSC2). Identifiers: Orphanet 805, MedGen C1860707, MONDO:0013199, OMIM 613254.
Hereditary cancer-predisposing syndrome. Also called: Tumor predisposition; Neoplastic Syndromes, Hereditary; Hereditary Cancer Syndrome; Hereditary neoplastic syndrome. Identifiers: Orphanet 140162, MedGen C0027672, MeSH D009386, MONDO:0015356.

Submissions (2):

Labcorp Genetics (formerly Invitae), Labcorp
Classification: Uncertain significance for Tuberous sclerosis 2. Last evaluated: 2024-05-29. Review status: criteria provided, single submitter. Criteria: Invitae Variant Classification Sherloc (09022015). Collection method: clinical testing. Allele origin: germline.
Comment: This sequence change replaces isoleucine, which is neutral and non-polar, with leucine, which is neutral and non-polar, at codon 885 of the TSC2 protein (p.Ile885Leu). This variant is not present in population databases (gnomAD no frequency). This variant has not been reported in the literature in individuals affected with TSC2-related conditions. ClinVar contains an entry for this variant (Variation ID: 2626423). Advanced modeling of protein sequence and biophysical properties (such as structural, functional, and spatial information, amino acid conservation, physicochemical variation, residue mobility, and thermodynamic stability) performed at Invitae indicates that this missense variant is not expected to disrupt TSC2 protein function with a negative predictive value of 95%. In summary, the available evidence is currently insufficient to determine the role of this variant in disease. Therefore, it has been classified as a Variant of Uncertain Significance.

Ambry Genetics
Classification: Uncertain significance for Hereditary cancer-predisposing syndrome. Last evaluated: 2023-07-15. Review status: criteria provided, single submitter. Criteria: Ambry Variant Classification Scheme 2023. Collection method: clinical testing. Allele origin: germline.
Comment: The p.I885L variant (also known as c.2653A>C), located in coding exon 23 of the TSC2 gene, results from an A to C substitution at nucleotide position 2653. The isoleucine at codon 885 is replaced by leucine, an amino acid with highly similar properties. This amino acid position is conserved. In addition, the in silico prediction for this alteration is inconclusive. Since supporting evidence is limited at this time, the clinical significance of this alteration remains unclear.